The following is an entry in ClinVar:

NM_001100913.3(PACS2):c.2040C>G (p.Asp680Glu)

Gene: PACS2 (phosphofurin acidic cluster sorting protein 2; plus strand). Cytogenetic location: 14q32.33.
Variant type: single nucleotide variant.
Coding change: c.2040C>G on transcript NM_001100913.3 (MANE Select); coding-DNA position 2040, C replaced by G.
Protein change: p.Asp680Glu; replaces aspartic acid 680 with glutamic acid.
Molecular consequence: missense variant.
Genome position (GRCh38, 1-based): chr14:105,389,967, C>G. VCF-style: chr14-105389967-C-G. GRCh37 (hg19) VCF-style: chr14-105856304-C-G.
Other names: c.1770C>G, p.Asp590Glu (NM_001243127.3); c.1995C>G, p.Asp665Glu (NM_015197.4); short protein forms D680E, D590E, D665E.
Identifiers: ClinVar variation 2993972 (VCV002993972.3), dbSNP rs782462194, ClinGen allele CA391184936.

ClinVar aggregate classification (germline): Uncertain significance (1 of 4 stars; one submission).

gnomAD v4.1: 6 of 1,613,702 alleles (0.00037%); highest among the groups gnomAD compares: Non-Finnish European, 0.00042%; no homozygotes.

Submission:

Labcorp Genetics (formerly Invitae), Labcorp
Classification: Uncertain significance. Last evaluated: 2023-06-05. Review status: criteria provided, single submitter. Criteria: Invitae Variant Classification Sherloc (09022015). Collection method: clinical testing. Allele origin: germline.
Comment: In summary, the available evidence is currently insufficient to determine the role of this variant in disease. Therefore, it has been classified as a Variant of Uncertain Significance. Advanced modeling of protein sequence and biophysical properties (such as structural, functional, and spatial information, amino acid conservation, physicochemical variation, residue mobility, and thermodynamic stability) performed at Invitae indicates that this missense variant is not expected to disrupt PACS2 protein function. This variant has not been reported in the literature in individuals affected with PACS2-related conditions. This variant is present in population databases (no rsID available, gnomAD 0.007%). This sequence change replaces aspartic acid, which is acidic and polar, with glutamic acid, which is acidic and polar, at codon 680 of the PACS2 protein (p.Asp680Glu).